The following is an entry in ClinVar:

NM_181552.4(CUX1):c.4163A>G (p.Asp1388Gly)

Gene: CUX1 (cut like homeobox 1; plus strand). Cytogenetic location: 7q22.1.
Variant type: single nucleotide variant.
Coding change: c.4163A>G on transcript NM_181552.4 (MANE Select); coding-DNA position 4163, A replaced by G.
Protein change: p.Asp1388Gly; replaces aspartic acid 1388 with glycine.
Molecular consequence: missense variant. On other transcripts: intron variant (5).
Genome position (GRCh38, 1-based): chr7:102,248,687, A>G. VCF-style: chr7-102248687-A-G. GRCh37 (hg19) VCF-style: chr7-101891967-A-G.
Other names: c.4196A>G, p.Asp1399Gly (NM_001202543.2); c.1256-24679A>G (NM_001913.5); c.1250-24679A>G (NM_181500.4); c.1118-24679A>G (NM_001202545.3); c.1208-24679A>G (NM_001202544.3); c.1139-24679A>G (NM_001202546.3); short protein forms D1388G, D1399G.
Identifiers: ClinVar variation 2229323 (VCV002229323.2), dbSNP rs2486378385, ClinGen allele CA368669107.

ClinVar aggregate classification (germline): Uncertain significance (1 of 4 stars; one submission).

Conditions:
Inborn genetic diseases. Identifiers: MedGen C0950123, MeSH D030342.

Submission:

Ambry Genetics
Classification: Uncertain significance for Inborn genetic diseases. Last evaluated: 2021-03-24. Review status: criteria provided, single submitter. Criteria: Ambry Variant Classification Scheme 2023. Collection method: clinical testing. Allele origin: germline.
Comment: The c.4196A>G (p.D1399G) alteration is located in exon 24 (coding exon 24) of the CUX1 gene. This alteration results from a A to G substitution at nucleotide position 4196, causing the aspartic acid (D) at amino acid position 1399 to be replaced by a glycine (G). Based on data from the Genome Aggregation Database (gnomAD), the CUX1 c.4196A>G alteration was not observed, with coverage at this position. This amino acid position is not conserved in available vertebrate species. The p.D1399G alteration is predicted to be tolerated by in silico analysis. Based on insufficient or conflicting evidence, the clinical significance of this alteration remains unclear.